The following is an entry in ClinVar:

NM_000548.5(TSC2):c.3404del (p.His1135fs)

Gene: TSC2 (TSC complex subunit 2; plus strand). Cytogenetic location: 16p13.3.
Variant type: Deletion.
Coding change: c.3404del on transcript NM_000548.5 (MANE Select); coding-DNA position 3404, one base deleted (A; older notation c.3404delA).
Protein change: p.His1135fs; shifts the reading frame from histidine 1135.
Molecular consequence: frameshift variant.
Genome position (GRCh38, 1-based): chr16:2,080,171, A deleted. VCF-style (leftmost placement, unchanged base first): chr16-2080170-CA-C. GRCh37 (hg19) VCF-style: chr16-2130171-CA-C.
Other names: c.3305del, p.His1102fs (NM_001318832.2); c.3275del, p.His1092fs (NM_001363528.2, NM_001370405.1, NM_021055.3); c.3272del, p.His1091fs (NM_001370404.1, NM_001077183.3); c.3404del, p.His1135fs (NM_001114382.3); c.3164del, p.His1055fs (NM_001318827.2); c.3128del, p.His1043fs (NM_001318829.2); c.2672del, p.His891fs (NM_001318831.2); short protein forms H1135fs, H891fs, H1092fs, H1043fs, H1055fs, H1091fs, H1102fs.
Identifiers: ClinVar variation 418833 (VCV000418833.2), dbSNP rs1064793464, ClinGen allele CA16620096.
Genomic context (GRCh38, chr16:2,080,170, plus strand): 5'-TGGTGGTTTTGCATCAGGTAAGTGGTGGTCACCAGTCCTCTGCCCTCTTCTTCAGGGGGC[CA>C]TGGTCTTCGAGTTGGCGCCCTGGACGTGCCGGCCTCCCAGTTCCTGGGCAGTGCCACTTC-3'

ClinVar aggregate classification (germline): Pathogenic (1 of 4 stars; one submission).

Submission:

GeneDx
Classification: Pathogenic. Last evaluated: 2015-04-08. Review status: criteria provided, single submitter. Criteria: GeneDx Variant Classification (06012015). Collection method: clinical testing. Allele origin: germline. Affected: yes.
Comment: The c.3404delA variant is predicted to cause loss of normal protein function eitherthrough protein truncation or nonsense-mediated mRNA decay. Although this variant has not beenpreviously reported to our knowledge, we interpret it as pathogenic.